The following is an entry in ClinVar:

ClinVar aggregate classification (germline): Uncertain significance. Review status: criteria provided, single submitter (1 of 4 stars). 2 submissions from 1 submitter: Uncertain significance (2). Last evaluated 2017-04-28.

Conditions:
Haim-Munk syndrome (HMS). Also called: COCHIN JEWISH DISORDER; KERATOSIS PALMOPLANTARIS WITH PERIODONTOPATHIA AND ONYCHOGRYPOSIS. Identifiers: Orphanet 2342, MedGen C1855627, MONDO:0009491, OMIM 245010.
Papillon-Lefèvre syndrome (PALS). Also called: KERATOSIS PALMOPLANTARIS WITH PERIODONTOPATHIA; Papillon-Lefevre Disease. Identifiers: Orphanet 678, MedGen C0030360, MONDO:0009490, OMIM 245000.

Allele frequency attached by ClinVar (database versions not stated): gnomAD exomes below 0.00001; TOPMed below 0.00001; ExAC 0.00001.
gnomAD v4.1: 1 of 1,614,160 alleles (0.000062%); highest among the groups gnomAD compares: Non-Finnish European, 0.000085%; no homozygotes.

Submissions (2):

Illumina Laboratory Services, Illumina
Classification: Uncertain significance for Haim-Munk syndrome. Last evaluated: 2017-04-28. Review status: criteria provided, single submitter. Criteria: ICSL Variant Classification Criteria 13 December 2019. Collection method: clinical testing. Allele origin: germline.

Illumina Laboratory Services, Illumina
Classification: Uncertain significance for Papillon-Lefèvre syndrome. Last evaluated: 2017-04-28. Review status: criteria provided, single submitter. Criteria: ICSL Variant Classification Criteria 13 December 2019. Collection method: clinical testing. Allele origin: germline.
Comment: This variant was observed as part of a predisposition screen in an ostensibly healthy population. A literature search was performed for the gene, cDNA change, and amino acid change (where applicable). Publications were found based on this search. However, the evidence from the literature, in combination with allele frequency data from public databases where available, was not sufficient to rule this variant in or out of causing disease. Therefore, this variant is classified as a variant of unknown significance.

Literature cited by the submitters: PubMed 14974080; PubMed 24936511.

NM_001814.6(CTSC):c.386T>A (p.Val129Glu)

Gene: CTSC (cathepsin C; minus strand). Cytogenetic location: 11q14.2.
Variant type: single nucleotide variant.
Coding change: c.386T>A on transcript NM_001814.6 (MANE Select); coding-DNA position 386, T replaced by A.
Protein change: p.Val129Glu; replaces valine 129 with glutamic acid.
Molecular consequence: missense variant.
Genome position (GRCh38, 1-based): chr11:88,312,487, A>T on the plus strand (T>A on the coding strand, the complement: CTSC is on the minus strand). VCF-style: chr11-88312487-A-T. GRCh37 (hg19) VCF-style: chr11-88045655-A-T.
Other names: short protein forms V129E.
Identifiers: ClinVar variation 882503 (VCV000882503.4), dbSNP rs760130711, ClinGen allele CA6219967.